The following is an entry in ClinVar:

NM_021830.5(TWNK):c.1734+3G>A

Gene: TWNK (twinkle mtDNA helicase; plus strand). Cytogenetic location: 10q24.31.
Variant type: single nucleotide variant.
Coding change: c.1734+3G>A on transcript NM_021830.5 (MANE Select); 3 bases into the intron after coding-DNA position 1734, G replaced by A.
Molecular consequence: intron variant. On other transcripts: synonymous variant (2), non-coding transcript variant (3).
Genome position (GRCh38, 1-based): chr10:100,991,013, G>A. VCF-style: chr10-100991013-G-A. GRCh37 (hg19) VCF-style: chr10-102750770-G-A.
Other names: c.1737G>A, p.Val579= (NM_001163812.2); c.375G>A, p.Val125= (NM_001163814.2); c.372+3G>A (NM_001163813.2, NM_001368275.1).
Identifiers: ClinVar variation 2730206 (VCV002730206.3), dbSNP rs373273836, ClinGen allele CA5653314.
Genomic context (GRCh38, chr10:100,991,013, plus strand): 5'-CCGGAAAGAGGATGATGACAAGGAACTGCAGACAGCGTCCATTTTTGGCTCAGCCAAAGT[G>A]AGTGGCCTTTAGCGGAGCTCAAGCTTTGGAAAATAGAGTGGGTAGGTGTGACCAGGGACA-3'

ClinVar aggregate classification (germline): Uncertain significance (1 of 4 stars; one submission).

Allele frequency attached by ClinVar (database versions not stated): gnomAD 0.00001; gnomAD exomes 0.00005; ESP Exome Variant Server 0.00008; TOPMed 0.00002; ExAC 0.00002.
gnomAD v4.1: 71 of 1,614,090 alleles (0.0044%); highest among the groups gnomAD compares: Non-Finnish European, 0.0058%; no homozygotes.

Submission:

Labcorp Genetics (formerly Invitae), Labcorp
Classification: Uncertain significance. Last evaluated: 2025-06-22. Review status: criteria provided, single submitter. Criteria: Invitae Variant Classification Sherloc (09022015). Collection method: clinical testing. Allele origin: germline.
Comment: This sequence change falls in intron 4 of the TWNK gene. It does not directly change the encoded amino acid sequence of the TWNK protein. It affects a nucleotide within the consensus splice site. This variant is present in population databases (rs373273836, gnomAD 0.002%). This variant has not been reported in the literature in individuals affected with TWNK-related conditions. ClinVar contains an entry for this variant (Variation ID: 2730206). Variants that disrupt the consensus splice site are a relatively common cause of aberrant splicing (PMID: 17576681, 9536098). Algorithms developed to predict the effect of sequence changes on RNA splicing suggest that this variant is not likely to affect RNA splicing. In summary, the available evidence is currently insufficient to determine the role of this variant in disease. Therefore, it has been classified as a Variant of Uncertain Significance.

Literature cited by the submitters: PubMed 17576681; PubMed 9536098.